The following is an entry in ClinVar:

NM_005228.5(EGFR):c.2925C>G (p.Pro975=)

Gene: EGFR (epidermal growth factor receptor; plus strand). Cytogenetic location: 7p11.2.
Variant type: single nucleotide variant.
Coding change: c.2925C>G on transcript NM_005228.5 (MANE Select); coding-DNA position 2925, C replaced by G.
Protein change: p.Pro975=; no amino-acid change (proline 975 retained).
Molecular consequence: synonymous variant.
Genome position (GRCh38, 1-based): chr7:55,200,392, C>G. VCF-style: chr7-55200392-C-G. GRCh37 (hg19) VCF-style: chr7-55268085-C-G.
Other names: c.2790C>G, p.Pro930= (NM_001346897.2, NM_001346899.2); c.2925C>G, p.Pro975= (NM_001346898.2); c.2766C>G, p.Pro922= (NM_001346900.2); c.2124C>G, p.Pro708= (NM_001346941.2); c.2925C>G (NM_005228.3).
Identifiers: ClinVar variation 1155731 (VCV001155731.16), dbSNP rs778672343, ClinGen allele CA4266207.
Genomic context (GRCh38, chr7:55,200,392, plus strand): 5'-AGATAGTCGCCCAAAGTTCCGTGAGTTGATCATCGAATTCTCCAAAATGGCCCGAGACCC[C>G]CAGCGCTACCTTGTCATTCAGGTACAAATTGCAGTCTGTGCTTCCATTGGGAAGAGTCCC-3'
Protein context (NP_005219.2, residues 965-985): IIEFSKMARD[Pro975=]QRYLVIQGDE

ClinVar aggregate classification (germline): Likely benign. Review status: criteria provided, multiple submitters, no conflicts (2 of 4 stars). 3 submissions from 3 submitters: Likely benign (3). Last evaluated 2026-02-02.

Conditions:
Hereditary cancer-predisposing syndrome. Also called: Tumor predisposition; Hereditary neoplastic syndrome; Hereditary Cancer Syndrome; Neoplastic Syndromes, Hereditary. Identifiers: Orphanet 140162, MedGen C0027672, MeSH D009386, MONDO:0015356.
EGFR-related lung cancer (EGFR). Identifiers: MedGen CN130014.

Allele frequency attached by ClinVar (database versions not stated): TOPMed 0.00002; gnomAD 0.00003; ExAC 0.00004; gnomAD exomes 0.00004.
gnomAD v4.1: 58 of 1,614,066 alleles (0.0036%); highest among the groups gnomAD compares: Non-Finnish European, 0.0046%; no homozygotes.

Submissions (3):

Labcorp Genetics (formerly Invitae), Labcorp
Classification: Likely benign for EGFR-related lung cancer. Last evaluated: 2026-02-02. Review status: criteria provided, single submitter. Criteria: Invitae Variant Classification Sherloc (09022015). Collection method: clinical testing. Allele origin: germline.

CeGaT Center for Human Genetics Tuebingen
Classification: Likely benign. Last evaluated: 2025-10-01. Review status: criteria provided, single submitter. Criteria: CeGaT Center For Human Genetics Tuebingen Variant Classification Criteria Version 2. Collection method: clinical testing. Allele origin: germline. Affected: yes. Observed: 1 variant allele.
Comment: EGFR: BP4, BP7

Ambry Genetics
Classification: Likely benign for Hereditary cancer-predisposing syndrome. Last evaluated: 2024-11-21. Review status: criteria provided, single submitter. Criteria: Ambry Variant Classification Scheme 2023. Collection method: clinical testing. Allele origin: germline.